The following is an entry in ClinVar:

ClinVar aggregate classification (germline): Uncertain significance. Review status: criteria provided, multiple submitters, no conflicts (2 of 4 stars). 2 submissions from 2 submitters: Uncertain significance (2). Last evaluated 2025-12-13.

Allele frequency attached by ClinVar (database versions not stated): ExAC 0.00002; gnomAD exomes 0.00002 and 0.00003; gnomAD 0.00006; TOPMed 0.00006.
gnomAD v4.1: 29 of 1,613,932 alleles (0.0018%); highest among the groups gnomAD compares: South Asian, 0.0055%; no homozygotes.

Submissions (2):

Labcorp Genetics (formerly Invitae), Labcorp
Classification: Uncertain significance. Last evaluated: 2025-12-13. Review status: criteria provided, single submitter. Criteria: Invitae Variant Classification Sherloc (09022015). Collection method: clinical testing. Allele origin: germline.
Comment: This sequence change replaces aspartic acid, which is acidic and polar, with asparagine, which is neutral and polar, at codon 122 of the SLC10A2 protein (p.Asp122Asn). This variant is present in population databases (rs200038147, gnomAD 0.006%). This variant has not been reported in the literature in individuals affected with SLC10A2-related conditions. ClinVar contains an entry for this variant (Variation ID: 500331). Invitae Evidence Modeling of protein sequence and biophysical properties (such as structural, functional, and spatial information, amino acid conservation, physicochemical variation, residue mobility, and thermodynamic stability) indicates that this missense variant is not expected to disrupt SLC10A2 protein function with a negative predictive value of 80%. In summary, the available evidence is currently insufficient to determine the role of this variant in disease. Therefore, it has been classified as a Variant of Uncertain Significance.

Eurofins Ntd Llc (ga)
Classification: Uncertain significance. Last evaluated: 2017-02-02. Review status: criteria provided, single submitter. Criteria: EGL Classification Definitions 2015. Collection method: clinical testing. Allele origin: germline. Observed: 1 variant allele, 1 heterozygote.

NM_000452.3(SLC10A2):c.364G>A (p.Asp122Asn)

Gene: SLC10A2 (solute carrier family 10 member 2; minus strand). Cytogenetic location: 13q33.1.
Variant type: single nucleotide variant.
Coding change: c.364G>A on transcript NM_000452.3 (MANE Select); coding-DNA position 364, G replaced by A.
Protein change: p.Asp122Asn; replaces aspartic acid 122 with asparagine.
Molecular consequence: missense variant.
Genome position (GRCh38, 1-based): chr13:103,065,886, C>T on the plus strand (G>A on the coding strand, the complement: SLC10A2 is on the minus strand). VCF-style: chr13-103065886-C-T. GRCh37 (hg19) VCF-style: chr13-103718236-C-T.
Other names: short protein forms D122N.
Identifiers: ClinVar variation 500331 (VCV000500331.9), dbSNP rs200038147, ClinGen allele CA7042266.